The following is an entry in ClinVar:

ClinVar aggregate classification (germline): Uncertain significance (1 of 4 stars; one submission).

Allele frequency attached by ClinVar (database versions not stated): gnomAD exomes below 0.00001; ExAC 0.00001.
gnomAD v4.1: 6 of 1,614,196 alleles (0.00037%); highest among the groups gnomAD compares: Non-Finnish European, 0.00042%; no homozygotes.

Submission:

Labcorp Genetics (formerly Invitae), Labcorp
Classification: Uncertain significance. Last evaluated: 2026-01-12. Review status: criteria provided, single submitter. Criteria: Invitae Variant Classification Sherloc (09022015). Collection method: clinical testing. Allele origin: germline.
Comment: This sequence change replaces glutamine, which is neutral and polar, with glutamic acid, which is acidic and polar, at codon 161 of the PSMC3IP protein (p.Gln161Glu). This variant is present in population databases (no rsID available, gnomAD 0.004%). This variant has not been reported in the literature in individuals affected with PSMC3IP-related conditions. ClinVar contains an entry for this variant (Variation ID: 1982210). An algorithm developed to predict the effect of missense changes on protein structure and function outputs the following: PolyPhen-2: "Benign". The glutamic acid amino acid residue is found in multiple mammalian species, which suggests that this missense change does not adversely affect protein function. In summary, the available evidence is currently insufficient to determine the role of this variant in disease. Therefore, it has been classified as a Variant of Uncertain Significance.

NM_016556.4(PSMC3IP):c.481C>G (p.Gln161Glu)

Gene: PSMC3IP (PSMC3 interacting protein; minus strand). Cytogenetic location: 17q21.2.
Variant type: single nucleotide variant.
Coding change: c.481C>G on transcript NM_016556.4 (MANE Select); coding-DNA position 481, C replaced by G.
Protein change: p.Gln161Glu; replaces glutamine 161 with glutamic acid.
Molecular consequence: missense variant. On other transcripts: non-coding transcript variant (3).
Genome position (GRCh38, 1-based): chr17:42,573,480, G>C on the plus strand (C>G on the coding strand, the complement: PSMC3IP is on the minus strand). VCF-style: chr17-42573480-G-C. GRCh37 (hg19) VCF-style: chr17-40725498-G-C.
Other names: c.292C>G, p.Gln98Glu (NM_001256014.2); c.244C>G, p.Gln82Glu (NM_001256015.2, NM_001256016.2); c.445C>G, p.Gln149Glu (NM_013290.7); short protein forms Q149E, Q161E, Q82E, Q98E.
Identifiers: ClinVar variation 1982210 (VCV001982210.4), dbSNP rs1555626775, ClinGen allele CA8578952.
Genomic context (GRCh38, chr17:42,573,480, plus strand): 5'-GCTCAGCCCTGATGTTCACTCTGGACCTGCACAGCGGTCCTACAGCCTTCCAGCTCACCT[G>C]CTCTTTCTCTTCTGGAGTCACATGATTGGTAGCTGCTTTAATGTTCTTCAATCTCTCTCT-3'
Protein context (NP_057640.1, residues 151-171): TNHVTPEEKE[Gln161Glu]VYRERQKYCK